The following is an entry in ClinVar:

ClinVar aggregate classification (germline): Uncertain significance. Review status: criteria provided, multiple submitters, no conflicts (2 of 4 stars). 5 submissions from 5 submitters: Uncertain significance (5). Last evaluated 2026-01-25.

Conditions:
Hereditary cancer-predisposing syndrome. Also called: Neoplastic Syndromes, Hereditary; Tumor predisposition; Hereditary neoplastic syndrome; Hereditary Cancer Syndrome. Identifiers: Orphanet 140162, MedGen C0027672, MeSH D009386, MONDO:0015356.
Classic or attenuated familial adenomatous polyposis. Identifiers: MedGen CN372698, MONDO:0021057.
Familial adenomatous polyposis 1 (FAP1). Also called: POLYPOSIS, ADENOMATOUS INTESTINAL; FAMILIAL ADENOMATOUS POLYPOSIS 1, ATTENUATED. Identifiers: MedGen C2713442, MONDO:0021056, OMIM 175100. Disease mechanism: loss of function.

Allele frequency attached by ClinVar (database versions not stated): gnomAD exomes below 0.00001; TOPMed below 0.00001; gnomAD 0.00001.
gnomAD v4.1: 3 of 1,611,926 alleles (0.00019%); highest among the groups gnomAD compares: African/African-American, 0.0027%; no homozygotes.

Submissions (5):

Labcorp Genetics (formerly Invitae), Labcorp
Classification: Uncertain significance for Familial adenomatous polyposis 1. Last evaluated: 2026-01-25. Review status: criteria provided, single submitter. Criteria: Invitae Variant Classification Sherloc (09022015). Collection method: clinical testing. Allele origin: germline.
Comment: This sequence change replaces cysteine, which is neutral and slightly polar, with serine, which is neutral and polar, at codon 575 of the APC protein (p.Cys575Ser). This variant is present in population databases (no rsID available, gnomAD 0.004%). This variant has not been reported in the literature in individuals affected with APC-related conditions. ClinVar contains an entry for this variant (Variation ID: 629181). Invitae Evidence Modeling of protein sequence and biophysical properties (such as structural, functional, and spatial information, amino acid conservation, physicochemical variation, residue mobility, and thermodynamic stability) indicates that this missense variant is not expected to disrupt APC protein function with a negative predictive value of 95%. In summary, the available evidence is currently insufficient to determine the role of this variant in disease. Therefore, it has been classified as a Variant of Uncertain Significance.

Ambry Genetics
Classification: Uncertain significance for Hereditary cancer-predisposing syndrome. Last evaluated: 2024-10-29. Review status: criteria provided, single submitter. Criteria: Ambry Variant Classification Scheme 2023. Collection method: clinical testing. Allele origin: germline.
Comment: The p.C575S variant (also known as c.1723T>A), located in coding exon 13 of the APC gene, results from a T to A substitution at nucleotide position 1723. The cysteine at codon 575 is replaced by serine, an amino acid with dissimilar properties. This amino acid position is highly conserved in available vertebrate species. In addition, in silico predictors for this gene do not accurately predict pathogenicity. Missense alterations in APC are not a common cause of disease (Spier I et al. Genet Med. 2024 Feb;26(2):100992). Based on the available evidence, the clinical significance of this variant remains unclear.

All of Us Research Program, National Institutes of Health
Classification: Uncertain significance for Classic or attenuated familial adenomatous polyposis. Last evaluated: 2024-03-14. Review status: criteria provided, single submitter. Criteria: ACMG Guidelines, 2015. Collection method: clinical testing. Allele origin: germline. Inheritance: Autosomal dominant inheritance. Observed: 2 variant alleles, 2 heterozygotes.
Comment: This missense variant replaces cysteine with serine at codon 575 of the APC protein. Computational prediction suggests that this variant may not impact protein structure and function (internally defined REVEL score threshold <= 0.5, PMID: 27666373). To our knowledge, functional studies have not been reported for this variant. This variant has not been reported in individuals affected with APC-related disorders in the literature. This variant has been identified in 2/282730 chromosomes in the general population by the Genome Aggregation Database (gnomAD). The available evidence is insufficient to determine the role of this variant in disease conclusively. Therefore, this variant is classified as a Variant of Uncertain Significance.

This study involves interpretation of variants in research participants for the purpose of population health screening. Participant phenotype was not available at the time of variant classification. Additional details can be found in publication PMID: 35346344, PMCID: PMC8962531

Color Diagnostics, LLC DBA Color Health
Classification: Uncertain significance for Hereditary cancer-predisposing syndrome. Last evaluated: 2024-03-06. Review status: criteria provided, single submitter. Criteria: ACMG Guidelines, 2015. Collection method: clinical testing. Allele origin: germline.
Comment: This missense variant replaces cysteine with serine at codon 575 of the APC protein. Computational prediction suggests that this variant may not impact protein structure and function (internally defined REVEL score threshold <= 0.5, PMID: 27666373). To our knowledge, functional studies have not been reported for this variant. This variant has not been reported in individuals affected with APC-related disorders in the literature. This variant has been identified in 2/282730 chromosomes in the general population by the Genome Aggregation Database (gnomAD). The available evidence is insufficient to determine the role of this variant in disease conclusively. Therefore, this variant is classified as a Variant of Uncertain Significance.

Baylor Genetics
Classification: Uncertain significance for Familial adenomatous polyposis 1. Last evaluated: 2023-12-19. Review status: criteria provided, single submitter. Criteria: ACMG Guidelines, 2015. Collection method: clinical testing. Allele origin: unknown.

NM_000038.6(APC):c.1723T>A (p.Cys575Ser)

Gene: APC (APC regulator of Wnt signaling pathway; plus strand). Cytogenetic location: 5q22.2.
Variant type: single nucleotide variant.
Coding change: c.1723T>A on transcript NM_000038.6 (MANE Select); coding-DNA position 1723, T replaced by A.
Protein change: p.Cys575Ser; replaces cysteine 575 with serine.
Molecular consequence: missense variant.
Genome position (GRCh38, 1-based): chr5:112,828,952, T>A. VCF-style: chr5-112828952-T-A. GRCh37 (hg19) VCF-style: chr5-112164649-T-A.
Other names: c.1723T>A, p.Cys575Ser (NM_001127510.3, NM_001354895.2); c.1669T>A, p.Cys557Ser (NM_001127511.3); c.1777T>A, p.Cys593Ser (NM_001354896.2); c.1753T>A, p.Cys585Ser (NM_001354897.2); c.1648T>A, p.Cys550Ser (NM_001354898.2); c.1639T>A, p.Cys547Ser (NM_001354899.2); c.1600T>A, p.Cys534Ser (NM_001354900.2); c.1546T>A, p.Cys516Ser (NM_001354901.2); and 5 more; short protein forms C557S, C575S, C516S, C534S, C550S, C415S, C474S, C484S.
Identifiers: ClinVar variation 629181 (VCV000629181.62), dbSNP rs1391594497, ClinGen allele CA16025075.